The following is an entry in ClinVar:

NM_004380.3(CREBBP):c.2830T>C (p.Ser944Pro)

Gene: CREBBP (CREB binding lysine acetyltransferase; minus strand). Cytogenetic location: 16p13.3.
Variant type: single nucleotide variant.
Coding change: c.2830T>C on transcript NM_004380.3 (MANE Select); coding-DNA position 2830, T replaced by C.
Protein change: p.Ser944Pro; replaces serine 944 with proline.
Molecular consequence: missense variant.
Genome position (GRCh38, 1-based): chr16:3,770,620, A>G on the plus strand (T>C on the coding strand, the complement: CREBBP is on the minus strand). VCF-style: chr16-3770620-A-G. GRCh37 (hg19) VCF-style: chr16-3820621-A-G.
Other names: c.2716T>C, p.Ser906Pro (NM_001079846.1); short protein forms S906P, S944P.
Identifiers: ClinVar variation 2961664 (VCV002961664.3), dbSNP rs2141199132, ClinGen allele CA394550588.

ClinVar aggregate classification (germline): Uncertain significance (1 of 4 stars; one submission).

Conditions:
Rubinstein-Taybi syndrome (RSTS). Identifiers: Orphanet 783, MedGen C0035934, MONDO:0019188.

Allele frequency attached by ClinVar (database versions not stated): gnomAD exomes below 0.00001.
gnomAD v4.1: 1 of 1,613,862 alleles (0.000062%); highest among the groups gnomAD compares: Admixed American, 0.0017%; no homozygotes.

Submission:

Labcorp Genetics (formerly Invitae), Labcorp
Classification: Uncertain significance for Rubinstein-Taybi syndrome. Last evaluated: 2023-05-18. Review status: criteria provided, single submitter. Criteria: Invitae Variant Classification Sherloc (09022015). Collection method: clinical testing. Allele origin: germline.
Comment: This variant has not been reported in the literature in individuals affected with CREBBP-related conditions. Advanced modeling of protein sequence and biophysical properties (such as structural, functional, and spatial information, amino acid conservation, physicochemical variation, residue mobility, and thermodynamic stability) performed at Invitae indicates that this missense variant is not expected to disrupt CREBBP protein function. In summary, the available evidence is currently insufficient to determine the role of this variant in disease. Therefore, it has been classified as a Variant of Uncertain Significance. This sequence change replaces serine, which is neutral and polar, with proline, which is neutral and non-polar, at codon 944 of the CREBBP protein (p.Ser944Pro). This variant is not present in population databases (gnomAD no frequency).